The following is an entry in ClinVar:

ClinVar aggregate classification (germline): Uncertain significance. Review status: criteria provided, multiple submitters, no conflicts (2 of 4 stars). 2 submissions from 2 submitters: Uncertain significance (2). Last evaluated 2023-09-20.

Allele frequency attached by ClinVar (database versions not stated): gnomAD 0.00004; ExAC 0.00006; 1000 Genomes Project 0.00020; 1000 Genomes Project 30x 0.00031.
gnomAD v4.1: 23 of 1,552,088 alleles (0.0015%); highest among the groups gnomAD compares: African/African-American, 0.0095%; no homozygotes.

Submissions (2):

Ambry Genetics
Classification: Uncertain significance. Last evaluated: 2023-09-20. Review status: criteria provided, single submitter. Criteria: Ambry Variant Classification Scheme 2023. Collection method: clinical testing. Allele origin: germline.

Labcorp Genetics (formerly Invitae), Labcorp
Classification: Uncertain significance. Last evaluated: 2022-05-03. Review status: criteria provided, single submitter. Criteria: Invitae Variant Classification Sherloc (09022015). Collection method: clinical testing. Allele origin: germline.
Comment: This sequence change replaces arginine, which is basic and polar, with histidine, which is basic and polar, at codon 1358 of the RUSC2 protein (p.Arg1358His). The frequency data for this variant in the population databases is considered unreliable, as metrics indicate poor data quality at this position in the gnomAD database. This variant has not been reported in the literature in individuals affected with RUSC2-related conditions. Algorithms developed to predict the effect of missense changes on protein structure and function output the following: SIFT: "Tolerated"; PolyPhen-2: "Benign"; Align-GVGD: "Class C0". The histidine amino acid residue is found in multiple mammalian species, which suggests that this missense change does not adversely affect protein function. In summary, the available evidence is currently insufficient to determine the role of this variant in disease. Therefore, it has been classified as a Variant of Uncertain Significance.

NM_014806.5(RUSC2):c.4073G>A (p.Arg1358His)

Gene: RUSC2 (RUN and SH3 domain containing 2; plus strand). Cytogenetic location: 9p13.3.
Variant type: single nucleotide variant.
Coding change: c.4073G>A on transcript NM_014806.5 (MANE Select); coding-DNA position 4073, G replaced by A.
Protein change: p.Arg1358His; replaces arginine 1358 with histidine.
Molecular consequence: missense variant. On other transcripts: non-coding transcript variant (1).
Genome position (GRCh38, 1-based): chr9:35,560,713, G>A. VCF-style: chr9-35560713-G-A. GRCh37 (hg19) VCF-style: chr9-35560710-G-A.
Other names: c.4073G>A, p.Arg1358His (NM_001135999.2); c.1439G>A, p.Arg480His (NM_001330740.2); c.4073G>A (NM_001135999.1); short protein forms R1358H, R480H.
Identifiers: ClinVar variation 1509614 (VCV001509614.4), dbSNP rs533021185, ClinGen allele CA5044290.